The following is an entry in ClinVar:

NM_000518.4(HBB):c.98T>A (p.Leu33Gln)

Genes: HBB (hemoglobin subunit beta; minus strand), LOC106099062 (HBB recombination region; plus strand), LOC107133510 (origin of replication at HBB; plus strand). Cytogenetic location: 11p15.4.
Variant type: single nucleotide variant.
Coding change: c.98T>A on transcript NM_000518.4; coding-DNA position 98, T replaced by A.
Protein change: p.Leu33Gln; replaces leucine 33 with glutamine.
Molecular consequence: missense variant (on NM_000518.5).
Genome position (GRCh38, 1-based): chr11:5,226,794, A>T on the plus strand (T>A on the coding strand, the complement: HBB is on the minus strand). VCF-style: chr11-5226794-A-T. GRCh37 (hg19) VCF-style: chr11-5248024-A-T.
Other names: L32Q; c.98T>A, p.Leu33Gln (NM_000518.5); short protein forms L33Q.
Identifiers: ClinVar variation 478852 (VCV000478852.9), dbSNP rs33948578, ClinGen allele CA037802.

ClinVar aggregate classification (germline): Likely pathogenic (1 of 4 stars; one submission).

Submission:

ARUP Laboratories, Molecular Genetics and Genomics, ARUP Laboratories
Classification: Likely pathogenic. Last evaluated: 2020-05-19. Review status: criteria provided, single submitter. Criteria: ARUP Molecular Germline Variant Investigation Process. Collection method: clinical testing. Allele origin: germline.
Comment: The Hb Clermont Ferrand variant (HBB: c.98T>A; p.Leu33Gln, also known as Leu32Gln when numbered from the mature protein, rs33948578) is reported in an individual with mild hemolytic anemia (HbVar database). This variant has also been observed in cis to the Hb Koln variant (c.295G>A; p.Val99Met) in another individual with hemolytic anemia, a complex variant reported as Hb Medicine Lake (Coleman 1995). The p.Leu33Gln variant is absent from general population databases (Exome Variant Server, Genome Aggregation Database), indicating it is not a common polymorphism. The leucine at codon 33 is highly conserved, and computational analyses (SIFT, PolyPhen-2) predict that this variant is deleterious. Additionally, other amino acid substitutions at this codon (p.Leu33Arg, p.Leu33Pro) have been reported de novo in individuals with hemolytic anemia, and are considered disease-causing, unstable variants (Chang 2002, Walker 2003). Based on available information, the p.Leu33Gln variant is considered to be likely pathogenic. References: Link to Hb Clermont Ferrand in HbVar: Chang JG et al. Unstable Hb Perth in a Taiwanese subject: a T-->C substitution at codon 32 of the beta-globin gene creates an MspI site. Hemoglobin. 2002 Feb;26(1):91-4. Coleman MB et al. Two missense mutations in the beta-globin gene can cause severe beta thalassemia. Hemoglobin Medicine Lake (beta 32[B14]leucine-->glutamine; 98 [FG5] valine-->methionine). J Clin Invest. 1995 Feb;95(2):503-9. Walker L et al. Hb Castilla [beta32(B14)Leu --> Arg] caused by a de novo mutation. Hemoglobin. 2003 Nov;27(4):253-6.